The following is an entry in ClinVar:

NM_005633.4(SOS1):c.1001C>G (p.Ala334Gly)

Gene: SOS1 (SOS Ras/Rac guanine nucleotide exchange factor 1; minus strand). Cytogenetic location: 2p22.1.
Variant type: single nucleotide variant.
Coding change: c.1001C>G on transcript NM_005633.4 (MANE Select); coding-DNA position 1001, C replaced by G.
Protein change: p.Ala334Gly; replaces alanine 334 with glycine.
Molecular consequence: missense variant.
Genome position (GRCh38, 1-based): chr2:39,035,285, G>C on the plus strand (C>G on the coding strand, the complement: SOS1 is on the minus strand). VCF-style: chr2-39035285-G-C. GRCh37 (hg19) VCF-style: chr2-39262426-G-C.
Other names: c.980C>G, p.Ala327Gly (NM_001382394.1); c.1001C>G, p.Ala334Gly (NM_001382395.1); short protein forms A334G, A327G.
Identifiers: ClinVar variation 5006288 (VCV005006288.2).

ClinVar aggregate classification (germline): Uncertain significance (1 of 4 stars; one submission).

Conditions:
Noonan syndrome 4 (NS4). Also called: SOS1-Related Noonan Syndrome; NOONAN SYNDROME WITH PIGMENTED VILLONODULAR SYNOVITIS. Identifiers: Orphanet 648, MedGen C1853120, MONDO:0012547, OMIM 610733.

Submission:

Juno Genomics, Hangzhou Juno Genomics, Inc
Classification: Uncertain significance for Noonan syndrome 4. Review status: criteria provided, single submitter. Criteria: ACMG Guidelines, 2015. Collection method: clinical testing. Allele origin: germline.
Comment: Absent from controls (or at extremely low frequency if recessive) in Genome Aggregation Database.;Multiple lines of computational evidence support a deleterious effect on the gene or gene product.